The following is an entry in ClinVar:

ClinVar aggregate classification (germline): Uncertain significance. Review status: criteria provided, multiple submitters, no conflicts (2 of 4 stars). 2 submissions from 2 submitters: Uncertain significance (2). Last evaluated 2025-09-24.

Conditions:
Koolen-de Vries syndrome (KDVS). Identifiers: Orphanet 96169, MedGen C1864871, MONDO:0012496, OMIM 610443.

Allele frequency attached by ClinVar (database versions not stated): gnomAD 0.00001.
gnomAD v4.1: 1 of 1,613,476 alleles (0.000062%); highest among the groups gnomAD compares: Non-Finnish European, 0.000085%; no homozygotes.

Submissions (2):

Women's Health and Genetics/Laboratory Corporation of America, LabCorp
Classification: Uncertain significance. Last evaluated: 2025-09-24. Review status: criteria provided, single submitter. Criteria: LabCorp Variant Classification Summary - May 2015. Collection method: clinical testing. Allele origin: germline.
Comment: Variant summary: KANSL1 c.1405A>G (p.Ile469Val) results in a conservative amino acid change in the encoded protein sequence. Algorithms developed to predict the effect of missense changes on protein structure and function are either unavailable or do not agree on the potential impact of this missense change. The variant was absent in 251164 control chromosomes. The available data on variant occurrences in the general population are insufficient to allow any conclusion about variant significance. To our knowledge, no occurrence of c.1405A>G in individuals affected with KANSL1-related conditions and no experimental evidence demonstrating its impact on protein function have been reported. ClinVar contains an entry for this variant (Variation ID: 1402312). Based on the evidence outlined above, the variant was classified as uncertain significance.

Labcorp Genetics (formerly Invitae), Labcorp
Classification: Uncertain significance for Koolen-de Vries syndrome. Last evaluated: 2021-09-17. Review status: criteria provided, single submitter. Criteria: Invitae Variant Classification Sherloc (09022015). Collection method: clinical testing. Allele origin: germline.
Comment: Due to the possible presence of a polymorphic segmental duplication, the location of the variant could not be unambiguously resolved. Variants with ambiguous mapping are still reported relative to the KANSL1 transcript. This sequence change replaces isoleucine with valine at codon 469 of the KANSL1 protein (p.Ile469Val). The isoleucine residue is highly conserved and there is a small physicochemical difference between isoleucine and valine. The frequency data for this variant in the population databases (ExAC) is considered unreliable due to the presence of homologous sequence, such as pseudogenes or paralogs, in the genome. This variant has not been reported in the literature in individuals with KANSL1-related conditions. Algorithms developed to predict the effect of missense changes on protein structure and function are either unavailable or do not agree on the potential impact of this missense change (SIFT: "Tolerated"; PolyPhen-2: "Possibly Damaging"; Align-GVGD: "Class C15"). Until the location of this sequence change can be resolved, the clinical significance of this variant remains uncertain. It has been classified as a Variant of Uncertain Significance.

NM_015443.4(KANSL1):c.1405A>G (p.Ile469Val)

Gene: KANSL1 (KAT8 regulatory NSL complex subunit 1). Cytogenetic location: 17q21.31.
Variant type: single nucleotide variant.
Coding change: c.1405A>G on transcript NM_015443.4 (MANE Select); coding-DNA position 1405, A replaced by G.
Protein change: p.Ile469Val; replaces isoleucine 469 with valine.
Molecular consequence: missense variant.
Genome position (GRCh38, 1-based): chr17:46,094,586, T>C on the plus strand (A>G on the coding strand, the complement: KANSL1 is on the minus strand). VCF-style: chr17-46094586-T-C. GRCh37 (hg19) VCF-style: chr17-44171952-T-C.
Other names: c.1405A>G, p.Ile469Val (NM_001193465.2, NM_001193466.2, NM_001379198.1); short protein forms I469V.
Identifiers: ClinVar variation 1402312 (VCV001402312.6), dbSNP rs1397262734, ClinGen allele CA399996404.